The following is an entry in ClinVar:

NM_138459.5(NUS1):c.277T>A (p.Ser93Thr)

Gene: NUS1 (NUS1 dehydrodolichyl diphosphate synthase subunit; plus strand). Cytogenetic location: 6q22.1.
Variant type: single nucleotide variant.
Coding change: c.277T>A on transcript NM_138459.5 (MANE Select); coding-DNA position 277, T replaced by A.
Protein change: p.Ser93Thr; replaces serine 93 with threonine.
Molecular consequence: missense variant.
Genome position (GRCh38, 1-based): chr6:117,675,947, T>A. VCF-style: chr6-117675947-T-A. GRCh37 (hg19) VCF-style: chr6-117997110-T-A.
Other names: short protein forms S93T.
Identifiers: ClinVar variation 2335602 (VCV002335602.4), dbSNP rs746969718, ClinGen allele CA3977083.

ClinVar aggregate classification (germline): Uncertain significance. Review status: criteria provided, multiple submitters, no conflicts (2 of 4 stars). 2 submissions from 2 submitters: Uncertain significance (2). Last evaluated 2023-12-13.

Conditions:
Inborn genetic diseases. Identifiers: MedGen C0950123, MeSH D030342.
Congenital disorder of glycosylation, type Iaa. Also called: Congenital disorder of glycosylation, type 1aa. Identifiers: MedGen C4310727, MONDO:0014904, OMIM 617082.

Allele frequency attached by ClinVar (database versions not stated): gnomAD 0.00001; gnomAD exomes 0.00001; TOPMed 0.00001.
gnomAD v4.1: 18 of 1,546,766 alleles (0.0012%); highest among the groups gnomAD compares: Non-Finnish European, 0.0016%; no homozygotes.

Submissions (2):

Labcorp Genetics (formerly Invitae), Labcorp
Classification: Uncertain significance for Congenital disorder of glycosylation, type Iaa. Last evaluated: 2023-12-13. Review status: criteria provided, single submitter. Criteria: Invitae Variant Classification Sherloc (09022015). Collection method: clinical testing. Allele origin: germline.
Comment: This sequence change replaces serine, which is neutral and polar, with threonine, which is neutral and polar, at codon 93 of the NUS1 protein (p.Ser93Thr). This variant is not present in population databases (gnomAD no frequency). This variant has not been reported in the literature in individuals affected with NUS1-related conditions. ClinVar contains an entry for this variant (Variation ID: 2335602). An algorithm developed to predict the effect of missense changes on protein structure and function (PolyPhen-2) suggests that this variant¬¨‚Ä†is likely to be tolerated. In summary, the available evidence is currently insufficient to determine the role of this variant in disease. Therefore, it has been classified as a Variant of Uncertain Significance.

Ambry Genetics
Classification: Uncertain significance for Inborn genetic diseases. Last evaluated: 2022-12-15. Review status: criteria provided, single submitter. Criteria: Ambry Variant Classification Scheme 2023. Collection method: clinical testing. Allele origin: germline.